The following is an entry in ClinVar:

ClinVar aggregate classification (germline): Conflicting classifications of pathogenicity. Review status: criteria provided, conflicting classifications (1 of 4 stars). 5 submissions from 5 submitters: Likely pathogenic (1); Uncertain significance (1); Likely benign (1). 2 of the submissions do not count toward it. Last evaluated 2026-01-13.

Conditions:
Congenital hyperammonemia, type I. Also called: Carbamoyl-phosphate synthase I deficiency; Carbamoyl phosphate synthetase I deficiency disease; CPS I DEFICIENCY; Carbamoyl phosphate synthetase 1 deficiency; Hyperammonemia due to carbamoyl phosphate synthetase 1 deficiency; CPS 1 deficiency. Identifiers: Orphanet 147, MedGen C4082171, MONDO:0009376, OMIM 237300.

Allele frequency attached by ClinVar (database versions not stated): gnomAD 0.00001 and 0.00003; ExAC 0.00002; TOPMed 0.00003; gnomAD exomes 0.00004.
gnomAD v4.1: 62 of 1,613,706 alleles (0.0038%); highest among the groups gnomAD compares: Middle Eastern, 0.033%; no homozygotes.

Submissions (5):

Labcorp Genetics (formerly Invitae), Labcorp
Classification: Likely benign for Congenital hyperammonemia, type I. Last evaluated: 2026-01-13. Review status: criteria provided, single submitter. Criteria: Invitae Variant Classification Sherloc (09022015). Collection method: clinical testing. Allele origin: germline.

Institute of Human Genetics, University of Leipzig Medical Center
Classification: Likely pathogenic for Congenital hyperammonemia, type I. Last evaluated: 2017-12-21. Review status: criteria provided, single submitter. Criteria: ACMG Guidelines, 2015. Collection method: clinical testing. Allele origin: germline. Affected: yes. Observed: 1 variant allele.

Illumina Laboratory Services, Illumina
Classification: Uncertain significance for Congenital hyperammonemia, type I. Last evaluated: 2017-04-28. Review status: criteria provided, single submitter. Criteria: ICSL Variant Classification Criteria 13 December 2019. Collection method: clinical testing. Allele origin: germline.
Comment: This variant was observed as part of a predisposition screen in an ostensibly healthy population. A literature search was performed for the gene, cDNA change, and amino acid change (where applicable). Publications were found based on this search. However, the evidence from the literature, in combination with allele frequency data from public databases where available, was not sufficient to rule this variant in or out of causing disease. Therefore, this variant is classified as a variant of unknown significance.

Natera, Inc.
Classification: Uncertain significance for Carbamoyl-phosphate synthase I deficiency. Last evaluated: 2020-09-16. Review status: no assertion criteria provided. Collection method: clinical testing. Allele origin: germline. Not counted in ClinVar's aggregate classification.

Counsyl
Classification: Uncertain significance for Congenital hyperammonemia, type I. Last evaluated: 2017-01-20. Review status: no assertion criteria provided. Collection method: clinical testing. Allele origin: unknown. Not counted in ClinVar's aggregate classification.

Literature cited by the submitters: PubMed 21120950 (cited by Illumina Laboratory Services, Illumina and Counsyl).

NM_001875.5(CPS1):c.3683G>A (p.Arg1228Gln)

Gene: CPS1 (carbamoyl-phosphate synthase 1; plus strand). Cytogenetic location: 2q34.
Variant type: single nucleotide variant.
Coding change: c.3683G>A on transcript NM_001875.5 (MANE Select); coding-DNA position 3683, G replaced by A.
Protein change: p.Arg1228Gln; replaces arginine 1228 with glutamine.
Molecular consequence: missense variant. On other transcripts: non-coding transcript variant (2).
Genome position (GRCh38, 1-based): chr2:210,658,615, G>A. VCF-style: chr2-210658615-G-A. GRCh37 (hg19) VCF-style: chr2-211523339-G-A.
Other names: c.3683G>A (LRG_336t1); c.3683G>A, p.Arg1228Gln (NM_001122633.3, NM_001369257.1); c.3716G>A, p.Arg1239Gln (NM_001369256.1); short protein forms R1228Q, R1239Q.
Identifiers: ClinVar variation 550437 (VCV000550437.14), dbSNP rs778117194, ClinGen allele CA2087049.